The following is an entry in ClinVar:

NM_001556.3(IKBKB):c.162C>G (p.Asn54Lys)

Gene: IKBKB (inhibitor of nuclear factor kappa B kinase subunit beta; plus strand). Cytogenetic location: 8p11.21.
Variant type: single nucleotide variant.
Coding change: c.162C>G on transcript NM_001556.3 (MANE Select); coding-DNA position 162, C replaced by G.
Protein change: p.Asn54Lys; replaces asparagine 54 with lysine.
Molecular consequence: missense variant. On other transcripts: 5 prime UTR variant (1), non-coding transcript variant (3), intron variant (1).
Genome position (GRCh38, 1-based): chr8:42,288,690, C>G. VCF-style: chr8-42288690-C-G. GRCh37 (hg19) VCF-style: chr8-42146208-C-G.
Other names: c.-31C>G (NM_001190720.3); c.24-1466C>G (NM_001242778.2); short protein forms N54K.
Identifiers: ClinVar variation 2818009 (VCV002818009.3), dbSNP rs1485660870, ClinGen allele CA371092549.
Genomic context (GRCh38, chr8:42,288,690, plus strand): 5'-GTAGGAAACAGGTGAGCAGATTGCCATCAAGCAGTGCCGGCAGGAGCTCAGCCCCCGGAA[C>G]CGAGAGCGGTGGTGCCTGGAGATCCAGATCATGAGAAGGTGAGGGCCTCGCGCATAGGGA-3'
Protein context (NP_001547.1, residues 44-64): KQCRQELSPR[Asn54Lys]RERWCLEIQI

ClinVar aggregate classification (germline): Uncertain significance (1 of 4 stars; one submission).

Conditions:
Severe combined immunodeficiency due to IKK2 deficiency. Also called: Immunodeficiency 15; IMMUNODEFICIENCY 15B. Identifiers: Orphanet 397787, MedGen C4747743, MONDO:0014267, OMIM 615592.

Submission:

Labcorp Genetics (formerly Invitae), Labcorp
Classification: Uncertain significance for Severe combined immunodeficiency due to IKK2 deficiency. Last evaluated: 2022-12-30. Review status: criteria provided, single submitter. Criteria: Invitae Variant Classification Sherloc (09022015). Collection method: clinical testing. Allele origin: germline.
Comment: In summary, the available evidence is currently insufficient to determine the role of this variant in disease. Therefore, it has been classified as a Variant of Uncertain Significance. Advanced modeling of protein sequence and biophysical properties (such as structural, functional, and spatial information, amino acid conservation, physicochemical variation, residue mobility, and thermodynamic stability) performed at Invitae indicates that this missense variant is not expected to disrupt IKBKB protein function. This variant has not been reported in the literature in individuals affected with IKBKB-related conditions. This variant is not present in population databases (gnomAD no frequency). This sequence change replaces asparagine, which is neutral and polar, with lysine, which is basic and polar, at codon 54 of the IKBKB protein (p.Asn54Lys).